The following is an entry in ClinVar:

NM_144499.3(GNAT1):c.802G>A (p.Asp268Asn)

Gene: GNAT1 (G protein subunit alpha transducin 1; plus strand). Cytogenetic location: 3p21.31.
Variant type: single nucleotide variant.
Coding change: c.802G>A on transcript NM_144499.3 (MANE Select); coding-DNA position 802, G replaced by A.
Protein change: p.Asp268Asn; replaces aspartic acid 268 with asparagine.
Molecular consequence: missense variant.
Genome position (GRCh38, 1-based): chr3:50,194,594, G>A. VCF-style: chr3-50194594-G-A. GRCh37 (hg19) VCF-style: chr3-50232027-G-A.
Other names: c.802G>A, p.Asp268Asn (NM_000172.4); short protein forms D268N.
Identifiers: ClinVar variation 2861301 (VCV002861301.3), dbSNP rs2546147170, ClinGen allele CA352918095.

ClinVar aggregate classification (germline): Uncertain significance (1 of 4 stars; one submission).

Submission:

Labcorp Genetics (formerly Invitae), Labcorp
Classification: Uncertain significance. Last evaluated: 2025-05-29. Review status: criteria provided, single submitter. Criteria: Invitae Variant Classification Sherloc (09022015). Collection method: clinical testing. Allele origin: germline.
Comment: This sequence change replaces aspartic acid, which is acidic and polar, with asparagine, which is neutral and polar, at codon 268 of the GNAT1 protein (p.Asp268Asn). This variant is not present in population databases (gnomAD no frequency). This variant has not been reported in the literature in individuals affected with GNAT1-related conditions. ClinVar contains an entry for this variant (Variation ID: 2861301). Invitae Evidence Modeling of protein sequence and biophysical properties (such as structural, functional, and spatial information, amino acid conservation, physicochemical variation, residue mobility, and thermodynamic stability) indicates that this missense variant is expected to disrupt GNAT1 protein function with a positive predictive value of 80%. In summary, the available evidence is currently insufficient to determine the role of this variant in disease. Therefore, it has been classified as a Variant of Uncertain Significance.